The following is an entry in ClinVar:

ClinVar aggregate classification (germline): Likely benign (1 of 4 stars; one submission).

Allele frequency attached by ClinVar (database versions not stated): 1000 Genomes Project 0.00339; 1000 Genomes Project 30x 0.00344; TOPMed 0.00435; ESP Exome Variant Server 0.00555; gnomAD 0.00585; ExAC 0.00694; gnomAD exomes 0.00721.

Submission:

CeGaT Center for Human Genetics Tuebingen
Classification: Likely benign. Last evaluated: 2023-02-01. Review status: criteria provided, single submitter. Criteria: CeGaT Center For Human Genetics Tuebingen Variant Classification Criteria Version 2. Collection method: clinical testing. Allele origin: germline. Affected: yes. Observed: 1 variant allele.
Comment: OR5H15: BP4, BS2

NM_001005515.2(OR5H15):c.598T>C (p.Phe200Leu)

Gene: OR5H15 (olfactory receptor family 5 subfamily H member 15; plus strand). Cytogenetic location: 3q11.2.
Variant type: single nucleotide variant.
Coding change: c.598T>C on transcript NM_001005515.2 (MANE Select); coding-DNA position 598, T replaced by C.
Protein change: p.Phe200Leu; replaces phenylalanine 200 with leucine.
Molecular consequence: missense variant.
Genome position (GRCh38, 1-based): chr3:98,169,297, T>C. VCF-style: chr3-98169297-T-C. GRCh37 (hg19) VCF-style: chr3-97888141-T-C.
Other names: short protein forms F200L.
Identifiers: ClinVar variation 2653998 (VCV002653998.24), dbSNP rs147066998, ClinGen allele CA2509081.
Genomic context (GRCh38, chr3:98,169,297, plus strand): 5'-GACACTATCCCATTGTCTAAGATTTCTTGTACTGATTCTTCTATTAATTTTCTAATGGTT[T>C]TTATTTTCTCAGGTTCAATTCAGGTATTCAGCATTGTGACTATTCTTATATCTTACACAT-3'
Protein context (NP_001005515.1, residues 190-210): TDSSINFLMV[Phe200Leu]IFSGSIQVFS